The following is an entry in ClinVar:

ClinVar aggregate classification (germline): Uncertain significance (1 of 4 stars; one submission).

Submission:

GeneDx
Classification: Uncertain significance. Last evaluated: 2023-11-13. Review status: criteria provided, single submitter. Criteria: GeneDx Variant Classification Process June 2021. Collection method: clinical testing. Allele origin: germline. Affected: yes.
Comment: Not observed at significant frequency in large population cohorts (gnomAD); In silico analysis supports that this missense variant has a deleterious effect on protein structure/function; Has not been previously published as pathogenic or benign to our knowledge

NM_001365276.2(TNXB):c.2443G>A (p.Glu815Lys)

Gene: TNXB (tenascin XB; minus strand). Cytogenetic location: 6p21.33.
Variant type: single nucleotide variant.
Coding change: c.2443G>A on transcript NM_001365276.2 (MANE Select); coding-DNA position 2443, G replaced by A.
Protein change: p.Glu815Lys; replaces glutamic acid 815 with lysine.
Molecular consequence: missense variant.
Genome position (GRCh38, 1-based): chr6:32,089,295, C>T on the plus strand (G>A on the coding strand, the complement: TNXB is on the minus strand). VCF-style: chr6-32089295-C-T. GRCh37 (hg19) VCF-style: chr6-32057072-C-T.
Other names: c.2443G>A, p.Glu815Lys (NM_001428335.1, NM_019105.8); short protein forms E815K.
Identifiers: ClinVar variation 3364145 (VCV003364145.1).